The following is an entry in ClinVar:

NM_005876.5(SPEG):c.9782G>A (p.Arg3261His)

Genes: ASIC4-AS1 (ASIC4 antisense RNA 1; minus strand), SPEG (striated muscle enriched protein kinase; plus strand). Cytogenetic location: 2q35.
Variant type: single nucleotide variant.
Coding change: c.9782G>A on transcript NM_005876.5 (MANE Select); coding-DNA position 9782, G replaced by A.
Protein change: p.Arg3261His; replaces arginine 3261 with histidine.
Molecular consequence: missense variant.
Genome position (GRCh38, 1-based): chr2:219,492,764, G>A. VCF-style: chr2-219492764-G-A. GRCh37 (hg19) VCF-style: chr2-220357486-G-A.
Other names: short protein forms R3261H.
Identifiers: ClinVar variation 1487645 (VCV001487645.6), dbSNP rs1343752442, ClinGen allele CA350720270.
Genomic context (GRCh38, chr2:219,492,764, plus strand): 5'-TCCTGGGCGAGCAGCGGCGGCGCCGGGCTGAGGCTGCCACCCGCCACAAGGTGCTGCTGC[G>A]CTCCTACCCTGGCGGCCCCTAGAGGCACGGACCACAGCCAGGCCTCGGGCTTCAACTGGG-3'
Protein context (NP_005867.3, residues 3251-3267): EAATRHKVLL[Arg3261His]SYPGGP

ClinVar aggregate classification (germline): Uncertain significance (1 of 4 stars; one submission).

Allele frequency attached by ClinVar (database versions not stated): TOPMed below 0.00001; gnomAD 0.00001.

Submission:

Labcorp Genetics (formerly Invitae), Labcorp
Classification: Uncertain significance. Last evaluated: 2022-06-20. Review status: criteria provided, single submitter. Criteria: Invitae Variant Classification Sherloc (09022015). Collection method: clinical testing. Allele origin: germline.
Comment: In summary, the available evidence is currently insufficient to determine the role of this variant in disease. Therefore, it has been classified as a Variant of Uncertain Significance. Algorithms developed to predict the effect of missense changes on protein structure and function are either unavailable or do not agree on the potential impact of this missense change (SIFT: "Deleterious"; PolyPhen-2: "Possibly Damaging"; Align-GVGD: "Class C0"). This variant has not been reported in the literature in individuals affected with SPEG-related conditions. This variant is not present in population databases (gnomAD no frequency). This sequence change replaces arginine, which is basic and polar, with histidine, which is basic and polar, at codon 3261 of the SPEG protein (p.Arg3261His).